The following is an entry in ClinVar:

ClinVar aggregate classification (germline): Uncertain significance. Review status: criteria provided, multiple submitters, no conflicts (2 of 4 stars). 3 submissions from 3 submitters: Uncertain significance (3). Last evaluated 2024-12-14.

Allele frequency attached by ClinVar (database versions not stated): gnomAD exomes 0.00001; ExAC 0.00002; gnomAD 0.00003; TOPMed 0.00003; ESP Exome Variant Server 0.00008.
gnomAD v4.1: 90 of 1,612,024 alleles (0.0056%); highest among the groups gnomAD compares: Non-Finnish European, 0.0069%; no homozygotes.

Submissions (3):

Ambry Genetics
Classification: Uncertain significance. Last evaluated: 2024-12-14. Review status: criteria provided, single submitter. Criteria: Ambry Variant Classification Scheme 2023. Collection method: clinical testing. Allele origin: germline.

Blueprint Genetics
Classification: Uncertain significance. Last evaluated: 2024-10-28. Review status: criteria provided, single submitter. Criteria: ACMG Guidelines, 2015. Collection method: clinical testing. Allele origin: germline.

Labcorp Genetics (formerly Invitae), Labcorp
Classification: Uncertain significance. Last evaluated: 2022-06-28. Review status: criteria provided, single submitter. Criteria: Invitae Variant Classification Sherloc (09022015). Collection method: clinical testing. Allele origin: germline.
Comment: In summary, the available evidence is currently insufficient to determine the role of this variant in disease. Therefore, it has been classified as a Variant of Uncertain Significance. Algorithms developed to predict the effect of missense changes on protein structure and function (SIFT, PolyPhen-2, Align-GVGD) all suggest that this variant is likely to be disruptive. ClinVar contains an entry for this variant (Variation ID: 970797). This variant has not been reported in the literature in individuals affected with DHX38-related conditions. This variant is present in population databases (rs369140795, gnomAD 0.004%). This sequence change replaces arginine, which is basic and polar, with histidine, which is basic and polar, at codon 1224 of the DHX38 protein (p.Arg1224His).

NM_014003.4(DHX38):c.3671G>A (p.Arg1224His)

Gene: DHX38 (DEAH-box helicase 38; plus strand). Cytogenetic location: 16q22.2.
Variant type: single nucleotide variant.
Coding change: c.3671G>A on transcript NM_014003.4 (MANE Select); coding-DNA position 3671, G replaced by A.
Protein change: p.Arg1224His; replaces arginine 1224 with histidine.
Molecular consequence: missense variant.
Genome position (GRCh38, 1-based): chr16:72,112,484, G>A. VCF-style: chr16-72112484-G-A. GRCh37 (hg19) VCF-style: chr16-72146383-G-A.
Other names: short protein forms R1224H.
Identifiers: ClinVar variation 970797 (VCV000970797.12), dbSNP rs369140795, ClinGen allele CA8161081.